The following is an entry in ClinVar:

NM_138387.4(G6PC3):c.392C>T (p.Ser131Leu)

Gene: G6PC3 (glucose-6-phosphatase catalytic subunit 3; plus strand). Cytogenetic location: 17q21.31.
Variant type: single nucleotide variant.
Coding change: c.392C>T on transcript NM_138387.4 (MANE Select); coding-DNA position 392, C replaced by T.
Protein change: p.Ser131Leu; replaces serine 131 with leucine.
Molecular consequence: missense variant.
Genome position (GRCh38, 1-based): chr17:44,074,746, C>T. VCF-style: chr17-44074746-C-T. GRCh37 (hg19) VCF-style: chr17-42152114-C-T.
Other names: c.392C>T, p.Ser131Leu (NM_001319945.2); c.47C>T, p.Ser16Leu (NM_001384165.1, NM_001384166.1, NM_001384167.1 and 1 more transcripts); short protein forms S16L, S131L.
Identifiers: ClinVar variation 3656512 (VCV003656512.1).

ClinVar aggregate classification (germline): Uncertain significance (1 of 4 stars; one submission).

Conditions:
Autosomal recessive severe congenital neutropenia due to G6PC3 deficiency. Also called: NEUTROPENIA, SEVERE CONGENITAL, 4, AUTOSOMAL RECESSIVE; G6PC3 Deficiency. Identifiers: Orphanet 331176, MedGen C2751630, MONDO:0012930, OMIM 612541.

gnomAD v4.1: 19 of 1,614,038 alleles (0.0012%); highest among the groups gnomAD compares: East Asian, 0.0045%; no homozygotes.

Submission:

Labcorp Genetics (formerly Invitae), Labcorp
Classification: Uncertain significance for Autosomal recessive severe congenital neutropenia due to G6PC3 deficiency. Last evaluated: 2024-04-22. Review status: criteria provided, single submitter. Criteria: Invitae Variant Classification Sherloc (09022015). Collection method: clinical testing. Allele origin: germline.
Comment: This sequence change replaces serine, which is neutral and polar, with leucine, which is neutral and non-polar, at codon 131 of the G6PC3 protein (p.Ser131Leu). This variant is present in population databases (rs199836220, gnomAD 0.004%). This variant has not been reported in the literature in individuals affected with G6PC3-related conditions. Advanced modeling of protein sequence and biophysical properties (such as structural, functional, and spatial information, amino acid conservation, physicochemical variation, residue mobility, and thermodynamic stability) performed at Invitae indicates that this missense variant is not expected to disrupt G6PC3 protein function with a negative predictive value of 80%. In summary, the available evidence is currently insufficient to determine the role of this variant in disease. Therefore, it has been classified as a Variant of Uncertain Significance.